The following is an entry in ClinVar:

ClinVar aggregate classification (germline): Likely benign (1 of 4 stars; one submission).

Conditions:
Alport syndrome. Also called: Hemorrhagic familial nephritis; Hemorrhagic hereditary nephritis; Congenital hereditary hematuria. Identifiers: Orphanet 63, MedGen C1567741, MONDO:0018965.

Allele frequency attached by ClinVar (database versions not stated): gnomAD 0.00034 and 0.00106; TOPMed 0.00035; 1000 Genomes Project 30x 0.00297; 1000 Genomes Project 0.00319.

Submission:

Illumina Laboratory Services, Illumina
Classification: Likely benign for Alport syndrome. Last evaluated: 2018-01-13. Review status: criteria provided, single submitter. Criteria: ICSL Variant Classification Criteria 13 December 2019. Collection method: clinical testing. Allele origin: germline.
Comment: This variant was observed in the ICSL laboratory as part of a predisposition screen in an ostensibly healthy population. It had not been previously curated by ICSL or reported in the Human Gene Mutation Database (HGMD: prior to June 1st, 2018), and was therefore a candidate for classification through an automated scoring system. Utilizing variant allele frequency, disease prevalence and penetrance estimates, and inheritance mode, an automated score was calculated to assess if this variant is too frequent to cause the disease. Based on the score and internal cut-off values, a variant classified as likely benign is not then subjected to further curation. The score for this variant resulted in a classification of likely benign for this disease.

NM_000091.5(COL4A3):c.*2228T>C

Genes: MFF-DT (MFF divergent transcript; minus strand), COL4A3 (collagen type IV alpha 3 chain; plus strand). Cytogenetic location: 2q36.3.
Variant type: single nucleotide variant.
Coding change: c.*2228T>C on transcript NM_000091.5 (MANE Select); 2228 bases downstream of the stop codon, T replaced by C.
Molecular consequence: 3 prime UTR variant.
Genome position (GRCh38, 1-based): chr2:227,314,098, T>C. VCF-style: chr2-227314098-T-C. GRCh37 (hg19) VCF-style: chr2-228178814-T-C.
Identifiers: ClinVar variation 334822 (VCV000334822.5), dbSNP rs367785196, ClinGen allele CA10614474.